The following continues an entry in ClinVar:

NM_000238.4(KCNH2):c.1128G>A (p.Gln376=)

Gene: KCNH2. ClinVar aggregate classification (germline): Pathogenic/Likely pathogenic. Pathogenic (2); Likely pathogenic (7).

Submissions 6 to 9 of 9:

ARUP Laboratories, Molecular Genetics and Genomics, ARUP Laboratories
Classification: Likely pathogenic. Last evaluated: 2022-04-13. Review status: criteria provided, single submitter. Criteria: ARUP Molecular Germline Variant Investigation Process 2021. Collection method: clinical testing. Allele origin: germline.
Comment: The KCNH2 c.1128G>A; p.Gln376= variant (rs770047651) is reported in the literature in multiple individuals with diagnosis or clinical suspicion of long QT syndrome (Choi 2021, Johnson 2009, Kapa 2009, Kapplinger 2009, Moss 2002, Poterucha 2015, Splawski 2000, Steffensen 2015, Vijayakumar 2014, Walsh 2021). This variant has also been reported in one asymptomatic individual (Lacaze 2021). This variant is also reported in ClinVar (Variation ID: 200323). This variant is absent from the Genome Aggregation Database, indicating it is not a common polymorphism. This is a synonymous variant in a highly conserved nucleotide, and computational (Alamut v.2.11) and in vitro functional analyses (O’Neill 2022) predict that this variant may impact splicing by weakening the nearby canonical donor splice site. Based on available information, this variant is considered to be likely pathogenic. References: Choi SH et al. Rare Coding Variants Associated With Electrocardiographic Intervals Identify Monogenic Arrhythmia Susceptibility Genes: A Multi-Ancestry Analysis. Circ Genom Precis Med. 2021 Aug;14(4):e003300. PMID: 34319147. Johnson JN et al. Identification of a possible pathogenic link between congenital long QT syndrome and epilepsy. Neurology. 2009 Jan 20;72(3):224-31. PMID: 19038855. Kapa S et al. Genetic testing for long-QT syndrome: distinguishing pathogenic mutations from benign variants. Circulation. 2009 Nov 3;120(18):1752-60. PMID: 19841300. Kapplinger JD et al. Spectrum and prevalence of mutations from the first 2,500 consecutive unrelated patients referred for the FAMILION long QT syndrome genetic test. Heart Rhythm. 2009 Sep;6(9):1297-303. PMID: 19716085. Lacaze P et al. Genetic variants associated with inherited cardiovascular disorders among 13,131 asymptomatic older adults of European descent. NPJ Genom Med. 2021 Jun 16;6(1):51. PMID: 34135346. Moss AJ et al. Increased risk of arrhythmic events in long-QT syndrome with mutations in the pore region of the human ether-a-go-go-related gene potassium channel. Circulation. 2002 Feb 19;105(7):794-9. PMID: 11854117. O’Neill M et al. Functional Assays Reclassify Suspected Splice-Altering Variants of Uncertain Significance in Mendelian Channelopathies. bioRxiv 2022.03.14.484344. Poterucha JT et al. Frequency and severity of hypoglycemia in children with beta-blocker-treated long QT syndrome. Heart Rhythm. 2015 Aug;12(8):1815-9. PMID: 25929701. Splawski I et al. Spectrum of mutations in long-QT syndrome genes. KVLQT1, HERG, SCN5A, KCNE1, and KCNE2. Circulation. 2000 Sep 5;102(10):1178-85. PMID: 10973849. Steffensen AB et al. High incidence of functional ion-channel abnormalities in a consecutive Long QT cohort with novel missense genetic variants of unknown significance. Sci Rep. 2015 Jun 12;5:10009. PMID: 26066609. Vijayakumar R et al. Electrophysiologic substrate in congenital Long QT syndrome: noninvasive mapping with electrocardiographic imaging (ECGI). Circulation. 2014 Nov 25;130(22):1936-1943. PMID: 25294783. Walsh R et al. Enhancing rare variant interpretation in inherited arrhythmias through quantitative analysis of consortium disease cohorts and population controls. Genet Med. 2021 Jan;23(1):47-58. PMID: 32893267.

Victorian Clinical Genetics Services, Murdoch Childrens Research Institute
Classification: Pathogenic for Long QT syndrome 2. Last evaluated: 2020-10-19. Review status: criteria provided, single submitter. Criteria: ACMG Guidelines, 2015. Collection method: clinical testing. Allele origin: germline. Inheritance: Autosomal dominant inheritance. Affected: yes.
Comment: Based on the classification scheme VCGS_Germline_v1.3.2, this variant is classified as Pathogenic. Following criteria are met: 0103 - Dominant negative and loss of function are known mechanisms of disease in this gene and are associated with long QT syndrome (LQTS; MIM#2613688). Gain of function is also a known mechanism associated with short QT syndrome (MIM#16096203) (OMIM, PMID: 10753933; PMID: 21777565). (I) 0107 - This gene is associated with autosomal dominant disease. (I) 0112 - The condition associated with this gene has incomplete penetrance (PMID: 20301308). (I) 0212 - Non-canonical splice site variant without proven consequence on splicing (no functional evidence available). (SP) 0219 - This variant is non-coding in an alternative transcript (UCSC, NCBI). (I) 0251 - This variant is heterozygous. (I) 0301 - Variant is absent from gnomAD (both v2 and v3). (SP) 0508 - In silico predictions for abnormal splicing are conflicting. (I) 0705 - No alternative changes on the same nucleotide have previous evidence for pathogenicity. (I) 0801 - This variant has strong previous evidence of pathogenicity in unrelated individuals with with LQTS. (ClinVar, PMIDs: 19716085; 25294783, 25929701). (SP) 0903 - This variant has limited evidence for segregation with disease (VCGS). (SP) 1208 - Inheritance information for this variant is not currently available in this individual. (I) Legend: (SP) - Supporting pathogenic, (I) - Information, (SB) - Supporting benign

Blueprint Genetics
Classification: Likely pathogenic for KCNH2-related disorders. Last evaluated: 2018-06-14. Review status: criteria provided, single submitter. Criteria: ACMG Guidelines, 2015. Collection method: clinical testing. Allele origin: germline. Affected: yes. Observed: 2 variant alleles.

Stanford Center for Inherited Cardiovascular Disease, Stanford University
Classification: Likely pathogenic. Last evaluated: 2011-08-26. Review status: criteria provided, single submitter. Criteria: ACMG Guidelines, 2015. Collection method: provider interpretation. Allele origin: germline.

Literature cited by the submitters: PubMed 10973849 (cited by 4 submitters); PubMed 15840476 (cited by 4 submitters); PubMed 19038855 (cited by Ambry Genetics); PubMed 19716085 (cited by 5 submitters); PubMed 19841300 (cited by Ambry Genetics); PubMed 23631430 (cited by 3 submitters); PubMed 25294783 (cited by Ambry Genetics and Victorian Clinical Genetics Services, Murdoch Childrens Research Institute); PubMed 25929701 (cited by 4 submitters); PubMed 26066609 (cited by Ambry Genetics); PubMed 34135346 (cited by Ambry Genetics); PubMed 34319147 (cited by Ambry Genetics); PubMed 36102233 (cited by 3 submitters); PubMed 36197721 (cited by 4 submitters); PubMed 11854117 (cited by 3 submitters); PubMed 17576681 (cited by Labcorp Genetics (formerly Invitae), Labcorp); PubMed 9536098 (cited by Labcorp Genetics (formerly Invitae), Labcorp); PubMed 28794082 (cited by All of Us Research Program, National Institutes of Health and Color Diagnostics, LLC DBA Color Health); PubMed 32893267 (cited by All of Us Research Program, National Institutes of Health and Color Diagnostics, LLC DBA Color Health); PubMed 10753933 (cited by Victorian Clinical Genetics Services, Murdoch Childrens Research Institute); PubMed 20301308 (cited by Victorian Clinical Genetics Services, Murdoch Childrens Research Institute); PubMed 21777565 (cited by Victorian Clinical Genetics Services, Murdoch Childrens Research Institute).